The following is an entry in ClinVar:

ClinVar aggregate classification (germline): Pathogenic. Review status: criteria provided, multiple submitters, no conflicts (2 of 4 stars). 4 submissions from 4 submitters: Pathogenic (3). 1 of the submissions does not count toward it. Last evaluated 2025-02-03.

Conditions:
Immunodeficiency-centromeric instability-facial anomalies syndrome 2 (ICF2). Identifiers: Orphanet 2268, MedGen C3279748, MONDO:0013553, OMIM 614069.

Allele frequency attached by ClinVar (database versions not stated): gnomAD exomes below 0.00001 and 0.00001; gnomAD 0.00002 and 0.00003; TOPMed 0.00003.
gnomAD v4.1: 12 of 1,613,664 alleles (0.00074%); highest among the groups gnomAD compares: African/African-American, 0.0067%; no homozygotes.

Submissions (4):

Labcorp Genetics (formerly Invitae), Labcorp
Classification: Pathogenic for Immunodeficiency-centromeric instability-facial anomalies syndrome 2. Last evaluated: 2025-02-03. Review status: criteria provided, single submitter. Criteria: Invitae Variant Classification Sherloc (09022015). Collection method: clinical testing. Allele origin: germline.
Comment: This sequence change creates a premature translational stop signal (p.Arg320*) in the ZBTB24 gene. It is expected to result in an absent or disrupted protein product. Loss-of-function variants in ZBTB24 are known to be pathogenic (PMID: 21596365). This variant is present in population databases (rs387907104, gnomAD 0.004%). This premature translational stop signal has been observed in individual(s) with clinical features of ZBTB24-related conditions (PMID: 21596365, 30353301). ClinVar contains an entry for this variant (Variation ID: 31093). For these reasons, this variant has been classified as Pathogenic.

CeGaT Center for Human Genetics Tuebingen
Classification: Pathogenic. Last evaluated: 2024-01-01. Review status: criteria provided, single submitter. Criteria: CeGaT Center For Human Genetics Tuebingen Variant Classification Criteria Version 2. Collection method: clinical testing. Allele origin: germline. Affected: yes. Observed: 4 variant alleles.
Comment: ZBTB24: PVS1, PM2, PM3

Institute for Genomic Statistics and Bioinformatics, University Hospital Bonn
Classification: Pathogenic for Immunodeficiency-centromeric instability-facial anomalies syndrome 2. Review status: criteria provided, single submitter. Criteria: ACMG Guidelines, 2015. Collection method: clinical testing. Allele origin: unknown. Inheritance: Autosomal recessive inheritance. Affected: yes. Observed: 1 homozygote.
Comment: PVS1, PM2, PP5

OMIM
Classification: Pathogenic for IMMUNODEFICIENCY-CENTROMERIC INSTABILITY-FACIAL ANOMALIES SYNDROME 2. Last evaluated: 2011-06-10. Review status: no assertion criteria provided. Collection method: literature only. Allele origin: germline. Not counted in ClinVar's aggregate classification.

Literature cited by the submitters: PubMed 21596365 (cited by Labcorp Genetics (formerly Invitae), Labcorp and OMIM); PubMed 30353301 (cited by Labcorp Genetics (formerly Invitae), Labcorp).

NM_014797.3(ZBTB24):c.958C>T (p.Arg320Ter)

Gene: ZBTB24 (zinc finger and BTB domain containing 24; minus strand). Cytogenetic location: 6q21.
Variant type: single nucleotide variant.
Coding change: c.958C>T on transcript NM_014797.3 (MANE Select); coding-DNA position 958, C replaced by T.
Protein change: p.Arg320Ter; replaces arginine 320 with a stop codon.
Molecular consequence: nonsense.
Genome position (GRCh38, 1-based): chr6:109,476,925, G>A on the plus strand (C>T on the coding strand, the complement: ZBTB24 is on the minus strand). VCF-style: chr6-109476925-G-A. GRCh37 (hg19) VCF-style: chr6-109798128-G-A.
Other names: (p.Arg320*); short protein forms R320*.
Identifiers: ClinVar variation 31093 (VCV000031093.44), dbSNP rs387907104, ClinGen allele CA129661.
Genomic context (GRCh38, chr6:109,476,925, plus strand): 5'-GGACCTGTAGCGAGTGCTTCTGGGCAAAGCCTTTTCCACACTCATTACATTTGAAAGGTC[G>A]CTCCCCTGGAAGAAGAGCCCCAGAAGCATGGTATAAGTAAGAATCCACACATTTTTCTGT-3'